The following is an entry in ClinVar:

ClinVar aggregate classification (germline): Uncertain significance. Review status: criteria provided, single submitter (1 of 4 stars). 2 submissions from 2 submitters: Uncertain significance (1). 1 of the submissions does not count toward it. Last evaluated 2022-06-20.

Conditions:
Ethylmalonic encephalopathy (EE). Also called: EPEMA syndrome; Encephalopathy, petechiae, and ethylmalonic aciduria; Syndrome of encephalopathy, petechiae, and ethylmalonic aciduria. Identifiers: Orphanet 51188, MedGen C1865349, MONDO:0011229, OMIM 602473. Disease mechanism: loss of function.

Allele frequency attached by ClinVar (database versions not stated): gnomAD 0.00001; TOPMed 0.00002; gnomAD exomes 0.00004.

Submissions (2):

Labcorp Genetics (formerly Invitae), Labcorp
Classification: Uncertain significance for Ethylmalonic encephalopathy. Last evaluated: 2022-06-20. Review status: criteria provided, single submitter. Criteria: Invitae Variant Classification Sherloc (09022015). Collection method: clinical testing. Allele origin: germline.
Comment: This sequence change replaces glutamine, which is neutral and polar, with histidine, which is basic and polar, at codon 236 of the ETHE1 protein (p.Gln236His). This variant is present in population databases (no rsID available, gnomAD 0.03%). This variant has not been reported in the literature in individuals affected with ETHE1-related conditions. ClinVar contains an entry for this variant (Variation ID: 968220). Advanced modeling of protein sequence and biophysical properties (such as structural, functional, and spatial information, amino acid conservation, physicochemical variation, residue mobility, and thermodynamic stability) performed at Invitae indicates that this missense variant is not expected to disrupt ETHE1 protein function. In summary, the available evidence is currently insufficient to determine the role of this variant in disease. Therefore, it has been classified as a Variant of Uncertain Significance.

Natera, Inc.
Classification: Uncertain significance for Ethylmalonic encephalopathy. Last evaluated: 2020-02-13. Review status: no assertion criteria provided. Collection method: clinical testing. Allele origin: germline. Not counted in ClinVar's aggregate classification.

NM_014297.5(ETHE1):c.708G>T (p.Gln236His)

Gene: ETHE1 (ETHE1 persulfide dioxygenase; minus strand). Cytogenetic location: 19q13.31.
Variant type: single nucleotide variant.
Coding change: c.708G>T on transcript NM_014297.5 (MANE Select); coding-DNA position 708, G replaced by T.
Protein change: p.Gln236His; replaces glutamine 236 with histidine.
Molecular consequence: missense variant.
Genome position (GRCh38, 1-based): chr19:43,507,948, C>A on the plus strand (G>T on the coding strand, the complement: ETHE1 is on the minus strand). VCF-style: chr19-43507948-C-A. GRCh37 (hg19) VCF-style: chr19-44012100-C-A.
Other names: c.675G>T, p.Gln225His (NM_001320867.2); c.339G>T, p.Gln113His (NM_001320868.2); c.414G>T, p.Gln138His (NM_001320869.2); short protein forms Q138H, Q225H, Q113H, Q236H.
Identifiers: ClinVar variation 968220 (VCV000968220.7), dbSNP rs1218439131, ClinGen allele CA406174836.